The following is an entry in ClinVar:

NM_006767.4(LZTR1):c.487A>G (p.Thr163Ala)

Gene: LZTR1 (leucine zipper like post translational regulator 1; plus strand). Cytogenetic location: 22q11.21.
Variant type: single nucleotide variant.
Coding change: c.487A>G on transcript NM_006767.4 (MANE Select); coding-DNA position 487, A replaced by G.
Protein change: p.Thr163Ala; replaces threonine 163 with alanine.
Molecular consequence: missense variant.
Genome position (GRCh38, 1-based): chr22:20,988,096, A>G. VCF-style: chr22-20988096-A-G. GRCh37 (hg19) VCF-style: chr22-21342385-A-G.
Other names: short protein forms T163A.
Identifiers: ClinVar variation 3390812 (VCV003390812.2).

ClinVar aggregate classification (germline): Uncertain significance. Review status: criteria provided, multiple submitters, no conflicts (2 of 4 stars). 2 submissions from 2 submitters: Uncertain significance (2). Last evaluated 2025-02-20.

Conditions:
Hereditary cancer-predisposing syndrome. Also called: Hereditary Cancer Syndrome; Tumor predisposition; Hereditary neoplastic syndrome; Neoplastic Syndromes, Hereditary. Identifiers: Orphanet 140162, MedGen C0027672, MeSH D009386, MONDO:0015356.
Cardiovascular phenotype. Identifiers: MedGen CN230736.

gnomAD v4.1: 1 of 1,611,592 alleles (0.000062%); highest among the groups gnomAD compares: Non-Finnish European, 0.000085%; no homozygotes.

Submissions (2):

Ambry Genetics
Classification: Uncertain significance for Cardiovascular phenotype; Hereditary cancer-predisposing syndrome. Last evaluated: 2025-02-20. Review status: criteria provided, single submitter. Criteria: Ambry Variant Classification Scheme 2023. Collection method: clinical testing. Allele origin: germline.
Comment: The p.T163A variant (also known as c.487A>G), located in coding exon 5 of the LZTR1 gene, results from an A to G substitution at nucleotide position 487. The threonine at codon 163 is replaced by alanine, an amino acid with similar properties. This amino acid position is conserved. In addition, the in silico prediction for this alteration is inconclusive. Based on the available evidence, the clinical significance of this variant remains unclear.

GeneDx
Classification: Uncertain significance. Last evaluated: 2024-06-12. Review status: criteria provided, single submitter. Criteria: GeneDx Variant Classification Process June 2021. Collection method: clinical testing. Allele origin: germline. Affected: yes.
Comment: Not observed at significant frequency in large population cohorts (gnomAD); In silico analysis indicates that this missense variant does not alter protein structure/function; Has not been previously published as pathogenic or benign to our knowledge